The following is an entry in ClinVar:

NM_001134363.3(RBM20):c.1207C>T (p.His403Tyr)

Gene: RBM20 (RNA binding motif protein 20; plus strand). Cytogenetic location: 10q25.2.
Variant type: single nucleotide variant.
Coding change: c.1207C>T on transcript NM_001134363.3 (MANE Select); coding-DNA position 1207, C replaced by T.
Protein change: p.His403Tyr; replaces histidine 403 with tyrosine.
Molecular consequence: missense variant.
Genome position (GRCh38, 1-based): chr10:110,781,816, C>T. VCF-style: chr10-110781816-C-T. GRCh37 (hg19) VCF-style: chr10-112541574-C-T.
Other names: short protein forms H403Y.
Identifiers: ClinVar variation 2488386 (VCV002488386.4), dbSNP rs1387194053, ClinGen allele CA378385981.

ClinVar aggregate classification (germline): Uncertain significance. Review status: criteria provided, multiple submitters, no conflicts (2 of 4 stars). 2 submissions from 2 submitters: Uncertain significance (2). Last evaluated 2026-04-09.

Conditions:
Cardiovascular phenotype. Identifiers: MedGen CN230736.

Submissions (2):

Ambry Genetics
Classification: Uncertain significance for Cardiovascular phenotype. Last evaluated: 2026-04-09. Review status: criteria provided, single submitter. Criteria: Ambry Variant Classification Scheme 2023. Collection method: clinical testing. Allele origin: germline.
Comment: The p.H403Y variant (also known as c.1207C>T), located in coding exon 2 of the RBM20 gene, results from a C to T substitution at nucleotide position 1207. The histidine at codon 403 is replaced by tyrosine, an amino acid with similar properties. This amino acid position is conserved. In addition, the in silico prediction for this alteration is inconclusive. Based on the available evidence, the clinical significance of this variant remains unclear.

GeneDx
Classification: Uncertain significance. Last evaluated: 2025-07-31. Review status: criteria provided, single submitter. Criteria: GeneDx Variant Classification Process June 2021. Collection method: clinical testing. Allele origin: germline. Affected: yes.
Comment: Not observed at significant frequency in large population cohorts (gnomAD); In silico analysis supports that this missense variant has a deleterious effect on protein structure/function; Has not been previously published as pathogenic or benign to our knowledge